The following is an entry in ClinVar:

ClinVar aggregate classification (germline): Uncertain significance. Review status: criteria provided, multiple submitters, no conflicts (2 of 4 stars). 2 submissions from 2 submitters: Uncertain significance (2). Last evaluated 2025-12-30.

Conditions:
Heterotopia, periventricular, X-linked dominant (PVNH1). Also called: PERIVENTRICULAR NODULAR HETEROTOPIA 4; HETEROTOPIA, PERIVENTRICULAR, 1; PERIVENTRICULAR NODULAR HETEROTOPIA 1; X-linked periventricular heterotopia. Identifiers: Orphanet 2149, Orphanet 82004, MedGen C1848213, MONDO:0010233, OMIM 300049.
Melnick-Needles syndrome (MNS). Also called: MELNICK-NEEDLES OSTEODYSPLASTY; OSTEODYSPLASTY OF MELNICK AND NEEDLES; Melnick-Needles Syndrome (FLNA-MNS). Identifiers: Orphanet 2484, MedGen C0025237, MONDO:0010650, OMIM 309350.
Frontometaphyseal dysplasia (FMD1). Identifiers: Orphanet 1826, MedGen C0265293, MONDO:0015942.
Oto-palato-digital syndrome, type II (OPD2). Also called: FACIOPALATOOSSEOUS SYNDROME; OPD II SYNDROME; Otopalatodigital Syndrome, Type II; Otopalatodigital Syndrome Type 2 (FLNA-OPD2). Identifiers: Orphanet 669, Orphanet 90652, MedGen C1844696, MONDO:0010571, OMIM 304120.
Familial thoracic aortic aneurysm and aortic dissection (TAAD). Also called: Thoracic aortic aneurysms and dissections. Identifiers: Orphanet 91387, MedGen C4707243, MONDO:0019625.

Submissions (2):

Ambry Genetics
Classification: Uncertain significance for Familial thoracic aortic aneurysm and aortic dissection. Last evaluated: 2025-12-30. Review status: criteria provided, single submitter. Criteria: Ambry Variant Classification Scheme 2023. Collection method: clinical testing. Allele origin: germline.

Labcorp Genetics (formerly Invitae), Labcorp
Classification: Uncertain significance for Oto-palato-digital syndrome, type II; Heterotopia, periventricular, X-linked dominant; Frontometaphyseal dysplasia; Melnick-Needles syndrome. Last evaluated: 2024-04-29. Review status: criteria provided, single submitter. Criteria: Invitae Variant Classification Sherloc (09022015). Collection method: clinical testing. Allele origin: germline.
Comment: This sequence change replaces tryptophan, which is neutral and slightly polar, with cysteine, which is neutral and slightly polar, at codon 2624 of the FLNA protein (p.Trp2624Cys). This variant is not present in population databases (gnomAD no frequency). This variant has not been reported in the literature in individuals affected with FLNA-related conditions. ClinVar contains an entry for this variant (Variation ID: 1376875). Advanced modeling of protein sequence and biophysical properties (such as structural, functional, and spatial information, amino acid conservation, physicochemical variation, residue mobility, and thermodynamic stability) performed at Invitae indicates that this missense variant is not expected to disrupt FLNA protein function with a negative predictive value of 95%. In summary, the available evidence is currently insufficient to determine the role of this variant in disease. Therefore, it has been classified as a Variant of Uncertain Significance.

NM_001110556.2(FLNA):c.7896G>C (p.Trp2632Cys)

Genes: FLNA (filamin A; minus strand), LOC107988032 (Xq28 proximal FLNA-EMD recombination region; plus strand). Cytogenetic location: Xq28.
Variant type: single nucleotide variant.
Coding change: c.7896G>C on transcript NM_001110556.2 (MANE Select); coding-DNA position 7896, G replaced by C.
Protein change: p.Trp2632Cys; replaces tryptophan 2632 with cysteine.
Molecular consequence: missense variant.
Genome position (GRCh38, 1-based): chrX:154,348,897, C>G on the plus strand (G>C on the coding strand, the complement: FLNA is on the minus strand). VCF-style: chrX-154348897-C-G. GRCh37 (hg19) VCF-style: chrX-153577265-C-G.
Other names: c.7872G>C, p.Trp2624Cys (NM_001456.4); c.7872G>C (NM_001456.3); short protein forms W2624C, W2632C.
Identifiers: ClinVar variation 1376875 (VCV001376875.9), dbSNP rs398122812, ClinGen allele CA415177226.